The following is an entry in ClinVar:

NM_005228.5(EGFR):c.2243G>A (p.Arg748Lys)

Gene: EGFR (epidermal growth factor receptor; plus strand). Cytogenetic location: 7p11.2.
Variant type: single nucleotide variant.
Coding change: c.2243G>A on transcript NM_005228.5 (MANE Select); coding-DNA position 2243, G replaced by A.
Protein change: p.Arg748Lys; replaces arginine 748 with lysine.
Molecular consequence: missense variant.
Genome position (GRCh38, 1-based): chr7:55,174,780, G>A. VCF-style: chr7-55174780-G-A. GRCh37 (hg19) VCF-style: chr7-55242473-G-A.
Other names: c.2108G>A, p.Arg703Lys (NM_001346897.2, NM_001346899.2); c.2243G>A, p.Arg748Lys (NM_001346898.2); c.2084G>A, p.Arg695Lys (NM_001346900.2); c.1442G>A, p.Arg481Lys (NM_001346941.2); short protein forms R703K, R748K, R481K, R695K.
Identifiers: ClinVar variation 4247316 (VCV004247316.1).

ClinVar aggregate classification (germline): Uncertain significance (1 of 4 stars; one submission).

Conditions:
Hereditary cancer-predisposing syndrome. Also called: Hereditary Cancer Syndrome; Hereditary neoplastic syndrome; Neoplastic Syndromes, Hereditary; Tumor predisposition. Identifiers: Orphanet 140162, MedGen C0027672, MeSH D009386, MONDO:0015356.

gnomAD v4.1: 2 of 1,614,128 alleles (0.00012%); highest among the groups gnomAD compares: South Asian, 0.0011%; no homozygotes.

Submission:

Ambry Genetics
Classification: Uncertain significance for Hereditary cancer-predisposing syndrome. Last evaluated: 2025-08-07. Review status: criteria provided, single submitter. Criteria: Ambry Variant Classification Scheme 2023. Collection method: clinical testing. Allele origin: germline.
Comment: The p.R748K variant (also known as c.2243G>A), located in coding exon 19 of the EGFR gene, results from a G to A substitution at nucleotide position 2243. The arginine at codon 748 is replaced by lysine, an amino acid with highly similar properties. This amino acid position is highly conserved in available vertebrate species. In addition, the in silico prediction for this alteration is inconclusive. Based on the available evidence, the clinical significance of this variant remains unclear.